The following is an entry in ClinVar:

ClinVar aggregate classification (germline): Benign (1 of 4 stars; one submission).

Conditions:
Familial isolated deficiency of vitamin E (AVED). Also called: ATAXIA, FRIEDREICH-LIKE, WITH SELECTIVE VITAMIN E DEFICIENCY; Ataxia with isolated vitamin E deficiency. Identifiers: Orphanet 96, MedGen C1848533, MONDO:0010188, OMIM 277460.

Allele frequency attached by ClinVar (database versions not stated): gnomAD 0.01322; TOPMed 0.01387; 1000 Genomes Project 0.01717; 1000 Genomes Project 30x 0.01827.

Submission:

Illumina Laboratory Services, Illumina
Classification: Benign for Familial isolated deficiency of vitamin E. Last evaluated: 2018-01-13. Review status: criteria provided, single submitter. Criteria: ICSL Variant Classification Criteria 13 December 2019. Collection method: clinical testing. Allele origin: germline.
Comment: This variant was observed in the ICSL laboratory as part of a predisposition screen in an ostensibly healthy population. It had not been previously curated by ICSL or reported in the Human Gene Mutation Database (HGMD: prior to June 1st, 2018), and was therefore a candidate for classification through an automated scoring system. Utilizing variant allele frequency, disease prevalence and penetrance estimates, and inheritance mode, an automated score was calculated to assess if this variant is too frequent to cause the disease. Based on the score and internal cut-off values, a variant classified as benign is not then subjected to further curation. The score for this variant resulted in a classification of benign for this disease.

NM_000370.3(TTPA):c.*1404G>A

Gene: TTPA (alpha tocopherol transfer protein; minus strand). Cytogenetic location: 8q12.3.
Variant type: single nucleotide variant.
Coding change: c.*1404G>A on transcript NM_000370.3 (MANE Select); 1404 bases downstream of the stop codon, G replaced by A.
Molecular consequence: 3 prime UTR variant.
Genome position (GRCh38, 1-based): chr8:63,059,848, C>T on the plus strand (G>A on the coding strand, the complement: TTPA is on the minus strand). VCF-style: chr8-63059848-C-T. GRCh37 (hg19) VCF-style: chr8-63972407-C-T.
Identifiers: ClinVar variation 363536 (VCV000363536.5), dbSNP rs56675911, ClinGen allele CA10631449.